The following is an entry in ClinVar:

ClinVar aggregate classification (germline): Uncertain significance (1 of 4 stars; one submission).

Conditions:
Woodhouse-Sakati syndrome. Also called: Hypogonadism, Alopecia, Diabetes Mellitus, Mental Retardation, and Extrapyramidal Syndrome; Hypogonadism, diabetes mellitus, alopecia, mental retardation and electrocardiographic abnormalities; EXTRAPYRAMIDAL DISORDER, PROGRESSIVE, WITH PRIMARY HYPOGONADISM, MENTAL RETARDATION, AND ALOPECIA. Identifiers: Orphanet 3464, MedGen C0342286, MONDO:0009419, OMIM 241080.

Allele frequency attached by ClinVar (database versions not stated): TOPMed below 0.00001; gnomAD 0.00001; gnomAD exomes 0.00001.
gnomAD v4.1: 14 of 1,613,652 alleles (0.00087%); highest among the groups gnomAD compares: African/African-American, 0.0013%; no homozygotes.

Submission:

Labcorp Genetics (formerly Invitae), Labcorp
Classification: Uncertain significance for Woodhouse-Sakati syndrome. Last evaluated: 2022-06-08. Review status: criteria provided, single submitter. Criteria: Invitae Variant Classification Sherloc (09022015). Collection method: clinical testing. Allele origin: germline.
Comment: This sequence change replaces valine, which is neutral and non-polar, with isoleucine, which is neutral and non-polar, at codon 502 of the DCAF17 protein (p.Val502Ile). This variant is present in population databases (no rsID available, gnomAD 0.0009%). This variant has not been reported in the literature in individuals affected with DCAF17-related conditions. Algorithms developed to predict the effect of missense changes on protein structure and function are either unavailable or do not agree on the potential impact of this missense change (SIFT: "Deleterious"; PolyPhen-2: "Benign"; Align-GVGD: "Class C0"). In summary, the available evidence is currently insufficient to determine the role of this variant in disease. Therefore, it has been classified as a Variant of Uncertain Significance.

NM_025000.4(DCAF17):c.1504G>A (p.Val502Ile)

Gene: DCAF17 (DDB1 and CUL4 associated factor 17; plus strand). Cytogenetic location: 2q31.1.
Variant type: single nucleotide variant.
Coding change: c.1504G>A on transcript NM_025000.4 (MANE Select); coding-DNA position 1504, G replaced by A.
Protein change: p.Val502Ile; replaces valine 502 with isoleucine.
Molecular consequence: missense variant. On other transcripts: non-coding transcript variant (1).
Genome position (GRCh38, 1-based): chr2:171,481,055, G>A. VCF-style: chr2-171481055-G-A. GRCh37 (hg19) VCF-style: chr2-172337565-G-A.
Other names: c.1303G>A, p.Val435Ile (NM_001164821.2); short protein forms V435I, V502I.
Identifiers: ClinVar variation 2166840 (VCV002166840.1), dbSNP rs1361450353, ClinGen allele CA349279961.